The following is an entry in ClinVar:

NM_014804.3(KIAA0753):c.1957A>G (p.Lys653Glu)

Gene: KIAA0753 (KIAA0753; minus strand). Cytogenetic location: 17p13.1.
Variant type: single nucleotide variant.
Coding change: c.1957A>G on transcript NM_014804.3 (MANE Select); coding-DNA position 1957, A replaced by G.
Protein change: p.Lys653Glu; replaces lysine 653 with glutamic acid.
Molecular consequence: missense variant. On other transcripts: non-coding transcript variant (3).
Genome position (GRCh38, 1-based): chr17:6,606,925, T>C on the plus strand (A>G on the coding strand, the complement: KIAA0753 is on the minus strand). VCF-style: chr17-6606925-T-C. GRCh37 (hg19) VCF-style: chr17-6510245-T-C.
Other names: c.1060A>G, p.Lys354Glu (NM_001351225.2); short protein forms K653E, K354E.
Identifiers: ClinVar variation 2097519 (VCV002097519.1), dbSNP rs779118164, ClinGen allele CA8330334.

ClinVar aggregate classification (germline): Uncertain significance (1 of 4 stars; one submission).

Allele frequency attached by ClinVar (database versions not stated): ExAC 0.00002; gnomAD 0.00003; TOPMed 0.00003; gnomAD exomes 0.00004.
gnomAD v4.1: 66 of 1,614,018 alleles (0.0041%); highest among the groups gnomAD compares: African/African-American, 0.0053%; no homozygotes.

Submission:

Labcorp Genetics (formerly Invitae), Labcorp
Classification: Uncertain significance. Last evaluated: 2022-02-13. Review status: criteria provided, single submitter. Criteria: Invitae Variant Classification Sherloc (09022015). Collection method: clinical testing. Allele origin: germline.
Comment: This sequence change replaces lysine, which is basic and polar, with glutamic acid, which is acidic and polar, at codon 653 of the KIAA0753 protein (p.Lys653Glu). This variant is present in population databases (rs779118164, gnomAD 0.01%). This variant has not been reported in the literature in individuals affected with KIAA0753-related conditions. Algorithms developed to predict the effect of missense changes on protein structure and function output the following: SIFT: "Tolerated"; PolyPhen-2: "Probably Damaging"; Align-GVGD: "Class C0". The glutamic acid amino acid residue is found in multiple mammalian species, which suggests that this missense change does not adversely affect protein function. In summary, the available evidence is currently insufficient to determine the role of this variant in disease. Therefore, it has been classified as a Variant of Uncertain Significance.